The following is an entry in ClinVar:

NM_000400.4(ERCC2):c.1642A>G (p.Thr548Ala)

Gene: ERCC2 (ERCC excision repair 2, TFIIH core complex helicase subunit; minus strand). Cytogenetic location: 19q13.32.
Variant type: single nucleotide variant.
Coding change: c.1642A>G on transcript NM_000400.4 (MANE Select); coding-DNA position 1642, A replaced by G.
Protein change: p.Thr548Ala; replaces threonine 548 with alanine.
Molecular consequence: missense variant.
Genome position (GRCh38, 1-based): chr19:45,354,753, T>C on the plus strand (A>G on the coding strand, the complement: ERCC2 is on the minus strand). VCF-style: chr19-45354753-T-C. GRCh37 (hg19) VCF-style: chr19-45858011-T-C.
Other names: short protein forms T548A.
Identifiers: ClinVar variation 2452370 (VCV002452370.2), dbSNP rs2514006135, ClinGen allele CA406365221.

ClinVar aggregate classification (germline): Uncertain significance (1 of 4 stars; one submission).

Conditions:
Inborn genetic diseases. Identifiers: MedGen C0950123, MeSH D030342.

Submission:

Ambry Genetics
Classification: Uncertain significance for Inborn genetic diseases. Last evaluated: 2023-02-18. Review status: criteria provided, single submitter. Criteria: Ambry Variant Classification Scheme 2023. Collection method: clinical testing. Allele origin: germline.
Comment: The p.T548A variant (also known as c.1642A>G), located in coding exon 17 of the ERCC2 gene, results from an A to G substitution at nucleotide position 1642. The threonine at codon 548 is replaced by alanine, an amino acid with similar properties. This amino acid position is conserved. In addition, the in silico prediction for this alteration is inconclusive. Since supporting evidence is limited at this time, the clinical significance of this alteration remains unclear.